The following is an entry in ClinVar:

NM_000051.4(ATM):c.7290T>A (p.His2430Gln)

Genes: ATM (ATM serine/threonine kinase; plus strand), C11orf65 (chromosome 11 open reading frame 65; minus strand). Cytogenetic location: 11q22.3.
Variant type: single nucleotide variant.
Coding change: c.7290T>A on transcript NM_000051.4 (MANE Select); coding-DNA position 7290, T replaced by A.
Protein change: p.His2430Gln; replaces histidine 2430 with glutamine.
Molecular consequence: missense variant. On other transcripts: intron variant (2).
Genome position (GRCh38, 1-based): chr11:108,329,221, T>A. VCF-style: chr11-108329221-T-A. GRCh37 (hg19) VCF-style: chr11-108199948-T-A.
Other names: c.7290T>A, p.His2430Gln (NM_001351834.2); c.641-20150A>T (NM_001330368.2); c.*38+5999A>T (NM_001351110.2); short protein forms H2430Q.
Identifiers: ClinVar variation 230696 (VCV000230696.12), dbSNP rs876658715, ClinGen allele CA10579255.

ClinVar aggregate classification (germline): Uncertain significance. Review status: criteria provided, multiple submitters, no conflicts (2 of 4 stars). 2 submissions from 2 submitters: Uncertain significance (2). Last evaluated 2025-03-05.

Conditions:
Hereditary cancer-predisposing syndrome. Also called: Neoplastic Syndromes, Hereditary; Hereditary neoplastic syndrome; Tumor predisposition; Hereditary Cancer Syndrome. Identifiers: Orphanet 140162, MedGen C0027672, MeSH D009386, MONDO:0015356.
Ataxia-telangiectasia syndrome (AT). Also called: Ataxia telangiectasia (A-T); Cerebello-oculocutaneous telangiectasia; Immunodeficiency with ataxia telangiectasia; LOUIS-BAR SYNDROME; AT, COMPLEMENTATION GROUP C; ATAXIA-TELANGIECTASIA, FRESNO VARIANT. Identifiers: Orphanet 100, MedGen C0004135, MONDO:0008840, OMIM 208900.

Submissions (2):

Labcorp Genetics (formerly Invitae), Labcorp
Classification: Uncertain significance for Ataxia-telangiectasia syndrome. Last evaluated: 2025-03-05. Review status: criteria provided, single submitter. Criteria: Invitae Variant Classification Sherloc (09022015). Collection method: clinical testing. Allele origin: germline.
Comment: This sequence change replaces histidine, which is basic and polar, with glutamine, which is neutral and polar, at codon 2430 of the ATM protein (p.His2430Gln). This variant is not present in population databases (gnomAD no frequency). This variant has not been reported in the literature in individuals affected with ATM-related conditions. ClinVar contains an entry for this variant (Variation ID: 230696). Invitae Evidence Modeling of protein sequence and biophysical properties (such as structural, functional, and spatial information, amino acid conservation, physicochemical variation, residue mobility, and thermodynamic stability) indicates that this missense variant is not expected to disrupt ATM protein function with a negative predictive value of 95%. In summary, the available evidence is currently insufficient to determine the role of this variant in disease. Therefore, it has been classified as a Variant of Uncertain Significance.

Ambry Genetics
Classification: Uncertain significance for Hereditary cancer-predisposing syndrome. Last evaluated: 2022-02-28. Review status: criteria provided, single submitter. Criteria: Ambry Variant Classification Scheme 2023. Collection method: clinical testing. Allele origin: germline.
Comment: The p.H2430Q variant (also known as c.7290T>A), located in coding exon 48 of the ATM gene, results from a T to A substitution at nucleotide position 7290. The histidine at codon 2430 is replaced by glutamine, an amino acid with highly similar properties. This variant was identified in a subset of individuals with thyroid and breast cancer (Bakos B et al. BMC Cancer, 2021 Jun;21:706). This amino acid position is well conserved in available vertebrate species. In addition, this alteration is predicted to be tolerated by in silico analysis. Since supporting evidence is limited at this time, the clinical significance of this alteration remains unclear.

Literature cited by the submitters: PubMed 34130653 (cited by Ambry Genetics).